The following is an entry in ClinVar:

NM_000330.4(RS1):c.589C>T (p.Arg197Cys)

Genes: CDKL5 (cyclin dependent kinase like 5; plus strand), RS1 (retinoschisin 1; minus strand). Cytogenetic location: Xp22.13.
Variant type: single nucleotide variant.
Coding change: c.589C>T on transcript NM_000330.4 (MANE Select); coding-DNA position 589, C replaced by T.
Protein change: p.Arg197Cys; replaces arginine 197 with cysteine.
Molecular consequence: missense variant. On other transcripts: intron variant (2).
Genome position (GRCh38, 1-based): chrX:18,642,090, G>A on the plus strand (C>T on the coding strand, the complement: RS1 is on the minus strand). VCF-style: chrX-18642090-G-A. GRCh37 (hg19) VCF-style: chrX-18660210-G-A.
Other names: NM_000330.4(RS1):c.589C>T; c.2714-3917G>A (NM_003159.3, NM_001037343.2); short protein forms R197C.
Identifiers: ClinVar variation 98996 (VCV000098996.16), dbSNP rs281865354, ClinGen allele CA226797.
Genomic context (GRCh38, chrX:18,642,090, plus strand): 5'-GCAGCTCCATCCGGATGGCAATGCGGACGTGCCAGCCCAGCGGGATGAGGCGGATGAAGC[G>A]GGAGATGATGGGGGGCCGCAGCAGGTTCTGAACCGTGGAGGTGCGGTCCGAGTTGCCATA-3'
Protein context (NP_000321.1, residues 187-207): QNLLRPPIIS[Arg197Cys]FIRLIPLGWH

ClinVar aggregate classification (germline): Pathogenic. Review status: reviewed by expert panel (3 of 4 stars). 8 submissions from 8 submitters: Pathogenic (1). 7 of the submissions do not count toward it. Last evaluated 2025-05-19.

Conditions:
RS1-related disorder. Also called: RS1-related condition.
Retinal dystrophy. Also called: Inherited retinal dystrophy. Identifiers: Orphanet 71862, MedGen C0854723, MeSH D058499, MONDO:0019118, HP:0000556.
Juvenile retinoschisis (RS1). Also called: X-Linked Juvenile Retinoschisis; X-linked retinoschisis. Identifiers: Orphanet 792, MedGen C3714753, MONDO:0010725, OMIM 312700.

Allele frequency attached by ClinVar (database versions not stated): gnomAD exomes 0.00001.
gnomAD v4.1: 6 of 1,211,517 alleles (0.0005%); highest among the groups gnomAD compares: Non-Finnish European, 0.00067%; no homozygotes.

Submissions (8):

ClinGen X-linked Inherited Retinal Disease Variant Curation Expert Panel, ClinGen
Classification: Pathogenic for Juvenile retinoschisis. Last evaluated: 2025-05-19. Review status: reviewed by expert panel. Criteria: ClinGen X LinkedIRD ACMG Specifications RS1 V1.0.0. Collection method: curation. Allele origin: germline. Inheritance: X-linked inheritance.
Comment: The NM_000330.4(RS1):c.589C>T variant is a missense variant encoding the substitution of Arginine with Cystine at amino acid 197. This variant is absent from hemizygous individuals in gnomAD v4.1.0 (PM2_Supporting). The computational predictor REVEL gives a score of 0.99, which is above the ClinGen X-linked IRD VCEP threshold of >0.932 and predicts a damaging effect on RS1 function (PP3_strong). The computational splicing predictor SpliceAI gives a delta score of 0.00 for all predictive splice changes, which is below the ClinGen X-linked IRD VCEP threshold of >0.2 and does not predict that the variant disrupts RS1 splicing. The variant has been reported to segregate with retinal dystrophy through at least 1 meiosis in two unrelated families, each consisting of 2 brothers (PP1; PMID: 29739629, 36377647). Only one family can be counted. At least one 4-year-old proband harboring this variant exhibits a phenotype including appearance of schisis and reduced visual acuity before age 13 years and showing detachment, and showing retinal detachment, which together are highly specific for X-linked retinoschisis (PP4_Moderate). This variant has been reported in at least 4 apparently unrelated probands meeting the PS4 requirements of a male diagnosed with X-linked retinoschisis (PMIDs: 34645606, 29739629, 30652005, 34624300, PS4_Moderate). In summary, this variant is classified as pathogenic for X-linked retinoschisis based on the ClinGen X-linked Inherited Retinal Disease Expert Panel Specifications to the ACMG/AMP Variant Interpretation Guidelines for RS1 Version 1.0.0: PM2_supporting, PP3_strong, PP1, PP4_moderate, and PS4_moderate (date of approval 01/24/2025).

Labcorp Genetics (formerly Invitae), Labcorp
Classification: Pathogenic. Last evaluated: 2025-10-09. Review status: criteria provided, single submitter. Criteria: Invitae Variant Classification Sherloc (09022015). Collection method: clinical testing. Allele origin: germline. Not counted in ClinVar's aggregate classification.
Comment: This sequence change replaces arginine, which is basic and polar, with cysteine, which is neutral and slightly polar, at codon 197 of the RS1 protein (p.Arg197Cys). This variant is not present in population databases (gnomAD no frequency). This missense change has been observed in individuals with X-linked retinoschisis (PMID: 9618178, 25799783, 30652005). ClinVar contains an entry for this variant (Variation ID: 98996). Invitae Evidence Modeling of protein sequence and biophysical properties (such as structural, functional, and spatial information, amino acid conservation, physicochemical variation, residue mobility, and thermodynamic stability) indicates that this missense variant is expected to disrupt RS1 protein function with a positive predictive value of 95%. This variant disrupts the p.Arg197 amino acid residue in RS1. Other variant(s) that disrupt this residue have been determined to be pathogenic (PMID: 9618178, 27246168, 29851975, 30652005). This suggests that this residue is clinically significant, and that variants that disrupt this residue are likely to be disease-causing. For these reasons, this variant has been classified as Pathogenic.

Natera, Inc.
Classification: Pathogenic for X-linked retinoschisis. Last evaluated: 2025-05-12. Review status: criteria provided, single submitter. Criteria: Natera Variant Classification Schema (03/2026). Collection method: clinical testing. Allele origin: germline. Not counted in ClinVar's aggregate classification.
Comment: The c.589C>T variant in RS1 is a missense variant predicted to cause substitution of arginine to cysteine at amino acid 197. This variant is rare in the general population with a frequency below the threshold expected for the associated phenotype(s). This variant has been observed in affected individual(s) with monoallelic occurrence (heterozygous/hemizygous) (PMID: 34822951, 34645606, 19390641, 19324861, 30652005). Additionally, this variant has been observed to segregate in affected family members (PMID: 27932860, 10079181). A different variant at the same position has been determined to be Pathogenic or Likely Pathogenic. Computational prediction algorithms indicate this variant is likely to affect gene or protein function. Given the available evidence, this variant is classified as Pathogenic.

3billion
Classification: Pathogenic for Juvenile retinoschisis. Last evaluated: 2023-02-23. Review status: criteria provided, single submitter. Criteria: ACMG Guidelines, 2015. Collection method: clinical testing. Allele origin: unknown. Affected: yes. Not counted in ClinVar's aggregate classification.
Comment: The variant is not observed in the gnomAD v2.1.1 dataset. The variant is located in a mutational hot spot and/or well-established functional domain in which established pathogenic variants have been reported. In silico tool predictions suggest damaging effect of the variant on gene or gene product (REVEL: 0.99; 3Cnet: 0.91). Same nucleotide change resulting in same amino acid change has been previously reported as pathogenic/likely pathogenic with strong evidence (ClinVar ID: VCV000098996). A different missense change at the same codon (p.Arg197His) has been reported as pathogenic/likely pathogenic with strong evidence (ClinVar ID: VCV000098997). Therefore, this variant is classified as Pathogenic according to the recommendation of ACMG/AMP guideline.

Blueprint Genetics
Classification: Pathogenic for RS1-related disorders. Last evaluated: 2022-09-16. Review status: criteria provided, single submitter. Criteria: ACMG Guidelines, 2015. Collection method: clinical testing. Allele origin: germline. Affected: yes. Observed: 5 variant alleles. Not counted in ClinVar's aggregate classification.

Genetics and Molecular Pathology, SA Pathology
Classification: Pathogenic for Juvenile retinoschisis. Last evaluated: 2022-02-07. Review status: criteria provided, single submitter. Criteria: ACMG Guidelines, 2015. Collection method: clinical testing. Allele origin: germline. Affected: yes. Not counted in ClinVar's aggregate classification.

Institute of Human Genetics, Univ. Regensburg, Univ. Regensburg
Classification: Pathogenic for Retinal dystrophy. Last evaluated: 2022-01-01. Review status: criteria provided, single submitter. Criteria: ACMG Guidelines, 2015. Collection method: clinical testing. Allele origin: germline. Affected: yes. Not counted in ClinVar's aggregate classification.

Retina International
No classification provided. Review status: no classification provided. Collection method: not provided. Allele origin: unknown. Not counted in ClinVar's aggregate classification.

Literature cited by the submitters: PubMed 9618178 (cited by Labcorp Genetics (formerly Invitae), Labcorp and Institute of Human Genetics, Univ. Regensburg, Univ. Regensburg); PubMed 25799783 (cited by Labcorp Genetics (formerly Invitae), Labcorp and Institute of Human Genetics, Univ. Regensburg, Univ. Regensburg); PubMed 30652005 (cited by 3 submitters); PubMed 27246168 (cited by Labcorp Genetics (formerly Invitae), Labcorp); PubMed 29851975 (cited by Labcorp Genetics (formerly Invitae), Labcorp); PubMed 34822951 (cited by Natera, Inc. and Institute of Human Genetics, Univ. Regensburg, Univ. Regensburg); PubMed 34645606 (cited by Natera, Inc. and Institute of Human Genetics, Univ. Regensburg, Univ. Regensburg); PubMed 19390641 (cited by Natera, Inc.); PubMed 19324861 (cited by Natera, Inc.); PubMed 27932860 (cited by Natera, Inc. and Institute of Human Genetics, Univ. Regensburg, Univ. Regensburg); PubMed 10079181 (cited by Natera, Inc. and Institute of Human Genetics, Univ. Regensburg, Univ. Regensburg); PubMed 28272453 (cited by Institute of Human Genetics, Univ. Regensburg, Univ. Regensburg); PubMed 33090715 (cited by Institute of Human Genetics, Univ. Regensburg, Univ. Regensburg); PubMed 35456481 (cited by Institute of Human Genetics, Univ. Regensburg, Univ. Regensburg); PubMed 36314434 (cited by Institute of Human Genetics, Univ. Regensburg, Univ. Regensburg); PubMed 36377647 (cited by Institute of Human Genetics, Univ. Regensburg, Univ. Regensburg); PubMed 34624300 (cited by Institute of Human Genetics, Univ. Regensburg, Univ. Regensburg); PubMed 36460718 (cited by Institute of Human Genetics, Univ. Regensburg, Univ. Regensburg); PubMed 36284460 (cited by Institute of Human Genetics, Univ. Regensburg, Univ. Regensburg).